The following is an entry in ClinVar:

NM_000098.3(CPT2):c.56G>A (p.Gly19Glu)

Genes: CPT2 (carnitine palmitoyltransferase 2; plus strand), LOC129930561 (ATAC-STARR-seq lymphoblastoid silent region 902; plus strand). Cytogenetic location: 1p32.3.
Variant type: single nucleotide variant.
Coding change: c.56G>A on transcript NM_000098.3 (MANE Select); coding-DNA position 56, G replaced by A.
Protein change: p.Gly19Glu; replaces glycine 19 with glutamic acid.
Molecular consequence: missense variant.
Genome position (GRCh38, 1-based): chr1:53,196,999, G>A. VCF-style: chr1-53196999-G-A. GRCh37 (hg19) VCF-style: chr1-53662671-G-A.
Other names: c.56G>A, p.Gly19Glu (NM_001330589.2); short protein forms G19E.
Identifiers: ClinVar variation 648717 (VCV000648717.8), dbSNP rs938409577, ClinGen allele CA22626396.

ClinVar aggregate classification (germline): Uncertain significance (1 of 4 stars; one submission).

Conditions:
Carnitine palmitoyltransferase II deficiency. Also called: Carnitine Palmitoyltransferase 2 Deficiency. Identifiers: Orphanet 157, MedGen C0342790, MONDO:0015515.

gnomAD v4.1: 1 of 1,532,426 alleles (0.000065%); highest among the groups gnomAD compares: Non-Finnish European, 0.000087%; no homozygotes.

Submission:

Labcorp Genetics (formerly Invitae), Labcorp
Classification: Uncertain significance for Carnitine palmitoyltransferase II deficiency. Last evaluated: 2022-01-14. Review status: criteria provided, single submitter. Criteria: Invitae Variant Classification Sherloc (09022015). Collection method: clinical testing. Allele origin: germline.
Comment: This sequence change replaces glycine, which is neutral and non-polar, with glutamic acid, which is acidic and polar, at codon 19 of the CPT2 protein (p.Gly19Glu). This variant is not present in population databases (gnomAD no frequency). This variant has not been reported in the literature in individuals affected with CPT2-related conditions. ClinVar contains an entry for this variant (Variation ID: 648717). Advanced modeling of protein sequence and biophysical properties (such as structural, functional, and spatial information, amino acid conservation, physicochemical variation, residue mobility, and thermodynamic stability) performed at Invitae indicates that this missense variant is not expected to disrupt CPT2 protein function. In summary, the available evidence is currently insufficient to determine the role of this variant in disease. Therefore, it has been classified as a Variant of Uncertain Significance.